The following is an entry in ClinVar:

ClinVar aggregate classification (germline): Uncertain significance. Review status: criteria provided, multiple submitters, no conflicts (2 of 4 stars). 5 submissions from 5 submitters: Uncertain significance (4). 1 of the submissions does not count toward it. Last evaluated 2026-06-09.

Conditions:
Hypertrophic cardiomyopathy. Also called: HYPERTROPHIC MYOCARDIOPATHY. Identifiers: Orphanet 217569, MedGen C0007194, MeSH D002312, MONDO:0005045, HP:0001639.
Cardiovascular phenotype. Identifiers: MedGen CN230736.
MYH6-related disorder. Also called: MYH6-related condition; MYH6-Related Disorders.
Hypertrophic cardiomyopathy 14. Identifiers: MedGen C2750467, MONDO:0013197, OMIM 613251.

Allele frequency attached by ClinVar (database versions not stated): gnomAD 0.00001; gnomAD exomes 0.00001 and 0.00003; ExAC 0.00002; TOPMed 0.00002; 1000 Genomes Project 0.00020; 1000 Genomes Project 30x 0.00031.
gnomAD v4.1: 19 of 1,614,160 alleles (0.0012%); highest among the groups gnomAD compares: Admixed American, 0.012%; no homozygotes.

Submissions (5):

PreventionGenetics, part of Exact Sciences
Classification: Uncertain significance for MYH6-related condition. Last evaluated: 2026-06-09. Review status: criteria provided, single submitter. Criteria: ACMG Guidelines, 2015. Collection method: clinical testing. Allele origin: germline.
Comment: The MYH6 c.4780C>T variant is predicted to result in the amino acid substitution p.Arg1594Trp. However, this variant was inherited from the unaffected father. In addition, this individual also carried a de novo nonsense variant in the NONO gene which could explain the clinical features (Scott et al. 2017. PubMed ID: 27550220). This variant is reported in 0.012% of alleles in individuals of African descent in gnomAD. Although we suspect that this variant may be benign, at this time, the clinical significance of this variant is uncertain due to the absence of conclusive functional and genetic evidence.

CeGaT Center for Human Genetics Tuebingen
Classification: Uncertain significance. Last evaluated: 2025-09-01. Review status: criteria provided, single submitter. Criteria: CeGaT Center For Human Genetics Tuebingen Variant Classification Criteria Version 2. Collection method: clinical testing. Allele origin: germline. Affected: yes. Observed: 1 variant allele.

Labcorp Genetics (formerly Invitae), Labcorp
Classification: Uncertain significance for Hypertrophic cardiomyopathy 14. Last evaluated: 2024-09-11. Review status: criteria provided, single submitter. Criteria: Invitae Variant Classification Sherloc (09022015). Collection method: clinical testing. Allele origin: germline.
Comment: This sequence change replaces arginine, which is basic and polar, with tryptophan, which is neutral and slightly polar, at codon 1594 of the MYH6 protein (p.Arg1594Trp). This variant is present in population databases (rs545198745, gnomAD 0.01%). This variant has not been reported in the literature in individuals affected with MYH6-related conditions. ClinVar contains an entry for this variant (Variation ID: 560618). Invitae Evidence Modeling of protein sequence and biophysical properties (such as structural, functional, and spatial information, amino acid conservation, physicochemical variation, residue mobility, and thermodynamic stability) indicates that this missense variant is expected to disrupt MYH6 protein function with a positive predictive value of 80%. In summary, the available evidence is currently insufficient to determine the role of this variant in disease. Therefore, it has been classified as a Variant of Uncertain Significance.

Ambry Genetics
Classification: Uncertain significance for Cardiovascular phenotype. Last evaluated: 2023-08-22. Review status: criteria provided, single submitter. Criteria: Ambry Variant Classification Scheme 2023. Collection method: clinical testing. Allele origin: germline.
Comment: The p.R1594W variant (also known as c.4780C>T), located in coding exon 31 of the MYH6 gene, results from a C to T substitution at nucleotide position 4780. The arginine at codon 1594 is replaced by tryptophan, an amino acid with dissimilar properties. This amino acid position is highly conserved in available vertebrate species. In addition, the in silico prediction for this alteration is inconclusive. Since supporting evidence is limited at this time, the clinical significance of this alteration remains unclear.

Clinical Molecular Genetics Laboratory, Johns Hopkins All Children's Hospital
Classification: Uncertain significance for Hypertrophic cardiomyopathy. Last evaluated: 2016-03-03. Review status: no assertion criteria provided. Collection method: clinical testing. Allele origin: germline. Affected: yes. Not counted in ClinVar's aggregate classification.

NM_002471.4(MYH6):c.4780C>T (p.Arg1594Trp)

Genes: MYH6 (myosin heavy chain 6; minus strand), LOC126861896 (BRD4-independent group 4 enhancer GRCh37_chr14:23854904-23856103; plus strand). Cytogenetic location: 14q11.2.
Variant type: single nucleotide variant.
Coding change: c.4780C>T on transcript NM_002471.4 (MANE Select); coding-DNA position 4780, C replaced by T.
Protein change: p.Arg1594Trp; replaces arginine 1594 with tryptophan.
Molecular consequence: missense variant.
Genome position (GRCh38, 1-based): chr14:23,386,494, G>A on the plus strand (C>T on the coding strand, the complement: MYH6 is on the minus strand). VCF-style: chr14-23386494-G-A. GRCh37 (hg19) VCF-style: chr14-23855703-G-A.
Other names: short protein forms R1594W.
Identifiers: ClinVar variation 560618 (VCV000560618.15), dbSNP rs545198745, ClinGen allele CA7114641.